The following is an entry in ClinVar:

NM_015100.4(POGZ):c.1925_1926+4dup

Gene: POGZ (pogo transposable element derived with ZNF domain; minus strand). Cytogenetic location: 1q21.3.
Variant type: Duplication.
Coding change: c.1925_1926+4dup on transcript NM_015100.4 (MANE Select); coding-DNA position 1925 through 4 bases into the intron after coding-DNA position 1926, 6 bases duplicated (AGGTAC; older notation c.1925_1926+4dupAGGTAC).
Molecular consequence: splice donor variant.
Genome position (GRCh38, 1-based): chr1:151,411,621-151,411,626, GTACCT duplicated on the plus strand (AGGTAC on the coding strand, the reverse complement: POGZ is on the minus strand); duplicating any 6 consecutive bases within chr1:151,411,621-151,411,627 gives the same sequence; the c. name uses the placement nearest the transcript's 3' end. VCF-style (leftmost placement, unchanged base first): chr1-151411620-A-AGTACCT. GRCh37 (hg19) VCF-style: chr1-151384096-A-AGTACCT.
Other names: c.1739_1740+4dup (NM_001194938.2); c.1640_1641+4dup (NM_145796.4); c.1898_1899+4dup (NM_001194937.2); c.1946_1947+4dup (NM_001410860.1); c.1766_1767+4dup (NM_207171.2).
Identifiers: ClinVar variation 2639177 (VCV002639177.24), dbSNP rs2529274528, ClinGen allele CA2695199878.

ClinVar aggregate classification (germline): Uncertain significance (1 of 4 stars; one submission).

Submission:

CeGaT Center for Human Genetics Tuebingen
Classification: Uncertain significance. Last evaluated: 2022-11-01. Review status: criteria provided, single submitter. Criteria: CeGaT Center For Human Genetics Tuebingen Variant Classification Criteria Version 2. Collection method: clinical testing. Allele origin: germline. Affected: yes. Observed: 1 variant allele.
Comment: POGZ: PM2, PP3